The following is an entry in ClinVar:

ClinVar aggregate classification (germline): Uncertain significance (1 of 4 stars; one submission).

Conditions:
Fanconi anemia complementation group P. Also called: SLX4-Related Fanconi Anemia. Identifiers: Orphanet 84, MedGen C3469542, MONDO:0013499, OMIM 613951.

gnomAD v4.1: 1 of 1,614,130 alleles (0.000062%); highest among the groups gnomAD compares: Non-Finnish European, 0.000085%; no homozygotes.

Submission:

Daryl Scott Lab, Baylor College of Medicine
Classification: Uncertain significance for Fanconi anemia complementation group P. Last evaluated: 2024-04-01. Review status: criteria provided, single submitter. Criteria: ACMG Guidelines, 2015. Collection method: clinical testing. Allele origin: maternal. Observed: 1 compound heterozygote.
Comment: PM2

NM_032444.4(SLX4):c.1436C>T (p.Thr479Ile)

Gene: SLX4 (SLX4 structure-specific endonuclease subunit; minus strand). Cytogenetic location: 16p13.3.
Variant type: single nucleotide variant.
Coding change: c.1436C>T on transcript NM_032444.4 (MANE Select); coding-DNA position 1436, C replaced by T.
Protein change: p.Thr479Ile; replaces threonine 479 with isoleucine.
Molecular consequence: missense variant.
Genome position (GRCh38, 1-based): chr16:3,597,626, G>A on the plus strand (C>T on the coding strand, the complement: SLX4 is on the minus strand). VCF-style: chr16-3597626-G-A. GRCh37 (hg19) VCF-style: chr16-3647627-G-A.
Other names: short protein forms T479I.
Identifiers: ClinVar variation 3778762 (VCV003778762.1).